The following is an entry in ClinVar:

ClinVar aggregate classification (germline): Uncertain significance (1 of 4 stars; one submission).

Submission:

GeneDx
Classification: Uncertain significance. Last evaluated: 2024-08-18. Review status: criteria provided, single submitter. Criteria: GeneDx Variant Classification Process June 2021. Collection method: clinical testing. Allele origin: germline. Affected: yes.
Comment: Not observed at significant frequency in large population cohorts (gnomAD); In silico analysis indicates that this missense variant does not alter protein structure/function; Has not been previously published as pathogenic or benign to our knowledge

NM_017852.5(NLRP2):c.1799C>T (p.Thr600Ile)

Gene: NLRP2 (NLR family pyrin domain containing 2; plus strand). Cytogenetic location: 19q13.42.
Variant type: single nucleotide variant.
Coding change: c.1799C>T on transcript NM_017852.5 (MANE Select); coding-DNA position 1799, C replaced by T.
Protein change: p.Thr600Ile; replaces threonine 600 with isoleucine.
Molecular consequence: missense variant. On other transcripts: non-coding transcript variant (1).
Genome position (GRCh38, 1-based): chr19:54,983,497, C>T. VCF-style: chr19-54983497-C-T. GRCh37 (hg19) VCF-style: chr19-55494865-C-T.
Other names: c.1799C>T, p.Thr600Ile (NM_001174081.3); c.1733C>T, p.Thr578Ile (NM_001174082.3); c.1730C>T, p.Thr577Ile (NM_001174083.2); c.1790C>T, p.Thr597Ile (NM_001348003.2); short protein forms T577I, T578I, T597I, T600I.
Identifiers: ClinVar variation 3764390 (VCV003764390.1).